The following is an entry in ClinVar:

ClinVar aggregate classification (germline): Likely benign. Review status: criteria provided, multiple submitters, no conflicts (2 of 4 stars). 7 submissions from 7 submitters: Likely benign (6). 1 of the submissions does not count toward it. Last evaluated 2025-10-08.

Conditions:
LAMB2-related disorder. Also called: LAMB2-related condition.
LAMB2-related infantile-onset nephrotic syndrome. Also called: NEPHROTIC SYNDROME, TYPE 5, WITHOUT OCULAR ABNORMALITIES; NEPHROTIC SYNDROME, TYPE 5, WITH OCULAR ABNORMALITIES; Nephrotic Syndrome, type 5. Identifiers: Orphanet 306507, MedGen C3280113, MONDO:0013621, OMIM 614199.
Pierson syndrome. Also called: MICROCORIA-CONGENITAL NEPHROTIC SYNDROME. Identifiers: Orphanet 2670, MedGen C1836876, MONDO:0012184, OMIM 609049.

Allele frequency attached by ClinVar (database versions not stated): gnomAD 0.00025; TOPMed 0.00026; ESP Exome Variant Server 0.00038.
gnomAD v4.1: 736 of 1,613,968 alleles (0.046%); highest among the groups gnomAD compares: Middle Eastern, 0.066%; no homozygotes.

Submissions (7):

Labcorp Genetics (formerly Invitae), Labcorp
Classification: Likely benign for LAMB2-related infantile-onset nephrotic syndrome; Pierson syndrome. Last evaluated: 2025-10-08. Review status: criteria provided, single submitter. Criteria: Invitae Variant Classification Sherloc (09022015). Collection method: clinical testing. Allele origin: germline.

Mayo Clinic Laboratories, Mayo Clinic
Classification: Likely benign. Last evaluated: 2025-07-10. Review status: criteria provided, single submitter. Criteria: ACMG Guidelines, 2015. Collection method: clinical testing. Allele origin: germline. Observed: 1 variant allele.
Comment: BP4, BP7

CeGaT Center for Human Genetics Tuebingen
Classification: Likely benign. Last evaluated: 2025-03-01. Review status: criteria provided, single submitter. Criteria: CeGaT Center For Human Genetics Tuebingen Variant Classification Criteria Version 2. Collection method: clinical testing. Allele origin: germline. Affected: yes. Observed: 1 variant allele.
Comment: LAMB2: BP4, BP7

Blueprint Genetics
Classification: Likely benign. Last evaluated: 2024-11-08. Review status: criteria provided, single submitter. Criteria: ACMG Guidelines, 2015. Collection method: clinical testing. Allele origin: germline.

Fulgent Genetics
Classification: Likely benign for Pierson syndrome; LAMB2-related infantile-onset nephrotic syndrome. Last evaluated: 2021-09-28. Review status: criteria provided, single submitter. Criteria: ACMG Guidelines, 2015. Collection method: clinical testing. Allele origin: unknown.

Breakthrough Genomics
Classification: Likely benign. Review status: criteria provided, single submitter. Criteria: ACMG Guidelines, 2015. Collection method: not provided. Allele origin: germline. Inheritance: Autosomal recessive inheritance. Affected: yes.

PreventionGenetics, part of Exact Sciences
Classification: Likely benign for LAMB2-related condition. Last evaluated: 2019-10-28. Review status: no assertion criteria provided. Collection method: clinical testing. Allele origin: germline. Not counted in ClinVar's aggregate classification.
Comment: This variant is classified as likely benign based on ACMG/AMP sequence variant interpretation guidelines (Richards et al. 2015 PMID: 25741868, with internal and published modifications).

NM_002292.4(LAMB2):c.5061G>A (p.Thr1687=)

Gene: LAMB2 (laminin subunit beta 2; minus strand). Cytogenetic location: 3p21.31.
Variant type: single nucleotide variant.
Coding change: c.5061G>A on transcript NM_002292.4 (MANE Select); coding-DNA position 5061, G replaced by A.
Protein change: p.Thr1687=; no amino-acid change (threonine 1687 retained).
Molecular consequence: synonymous variant.
Genome position (GRCh38, 1-based): chr3:49,121,723, C>T on the plus strand (G>A on the coding strand, the complement: LAMB2 is on the minus strand). VCF-style: chr3-49121723-C-T. GRCh37 (hg19) VCF-style: chr3-49159156-C-T.
Other names: p.Thr1687=.
Identifiers: ClinVar variation 705704 (VCV000705704.22), dbSNP rs150465100, ClinGen allele CA2393621.
Genomic context (GRCh38, chr3:49,121,723, plus strand): 5'-GCTGGCTCTGCCTCAACCCACCTGCTCAGCCTCCTGGGCACGACCCTGGGCACTGCCTGC[C>T]GTTTCTTCTGCTGTAGAGGCTGCCAGACTATTTCCTGCCCGTTTCAATTTCAGAGCCTCC-3'
Protein context (NP_002283.3, residues 1677-1697): NSLAASTAEE[Thr1687=]AGSAQGRAQE